The following is an entry in ClinVar:

ClinVar aggregate classification (germline): Conflicting classifications of pathogenicity. Review status: criteria provided, conflicting classifications (1 of 4 stars). 5 submissions from 4 submitters: Uncertain significance (1); Benign (1); Likely benign (3). Last evaluated 2026-01-15.

Conditions:
Autoinflammatory syndrome. Identifiers: Orphanet 93665, MedGen C3890737, MONDO:0019751.
Blau syndrome (BLAUS). Also called: GRANULOMATOSIS, FAMILIAL JUVENILE SYSTEMIC; GRANULOMATOSIS, FAMILIAL, BLAU TYPE; GRANULOMATOUS INFLAMMATORY ARTHRITIS, DERMATITIS, AND UVEITIS, FAMILIAL; JABS SYNDROME; ARTHROCUTANEOUVEAL GRANULOMATOSIS. Identifiers: Orphanet 90340, MedGen C5201146, MONDO:0008523, OMIM 186580.
Regional enteritis. Also called: Enteritis, Granulomatous. Identifiers: MedGen C0678202, MeSH D003424.
Inflammatory bowel disease 1 (IBD1). Also called: INFLAMMATORY BOWEL DISEASE (CROHN DISEASE) 1; Inflammatory bowel disease 1, Crohn disease. Identifiers: MedGen CN260071, MONDO:0009960, OMIM 266600.

Allele frequency attached by ClinVar (database versions not stated): ExAC 0.00011; gnomAD exomes 0.00014; ESP Exome Variant Server 0.00015; gnomAD 0.00018 and 0.00019; 1000 Genomes Project 0.00020; TOPMed 0.00020; 1000 Genomes Project 30x 0.00031.

Submissions (5):

Labcorp Genetics (formerly Invitae), Labcorp
Classification: Likely benign for Regional enteritis; Blau syndrome. Last evaluated: 2026-01-15. Review status: criteria provided, single submitter. Criteria: Invitae Variant Classification Sherloc (09022015). Collection method: clinical testing. Allele origin: germline.

Blueprint Genetics
Classification: Likely benign. Last evaluated: 2024-07-25. Review status: criteria provided, single submitter. Criteria: ACMG Guidelines, 2015. Collection method: clinical testing. Allele origin: germline.

Genome Diagnostics Laboratory, The Hospital for Sick Children
Classification: Likely benign for Autoinflammatory syndrome. Last evaluated: 2018-02-01. Review status: criteria provided, single submitter. Criteria: ACMG Guidelines, 2015. Collection method: clinical testing. Allele origin: germline. Affected: yes.

Illumina Laboratory Services, Illumina
Classification: Benign for Blau syndrome. Last evaluated: 2018-01-13. Review status: criteria provided, single submitter. Criteria: ICSL Variant Classification Criteria 13 December 2019. Collection method: clinical testing. Allele origin: germline.
Comment: This variant was observed in the ICSL laboratory as part of a predisposition screen in an ostensibly healthy population. It had not been previously curated by ICSL or reported in the Human Gene Mutation Database (HGMD: prior to June 1st, 2018), and was therefore a candidate for classification through an automated scoring system. Utilizing variant allele frequency, disease prevalence and penetrance estimates, and inheritance mode, an automated score was calculated to assess if this variant is too frequent to cause the disease. Based on the score and internal cut-off values, a variant classified as benign is not then subjected to further curation. The score for this variant resulted in a classification of benign for this disease.

Illumina Laboratory Services, Illumina
Classification: Uncertain significance for Inflammatory bowel disease 1. Last evaluated: 2018-01-13. Review status: criteria provided, single submitter. Criteria: ICSL Variant Classification Criteria 13 December 2019. Collection method: clinical testing. Allele origin: germline.

NM_001370466.1(NOD2):c.2066G>A (p.Arg689His)

Gene: NOD2 (nucleotide binding oligomerization domain containing 2; plus strand). Cytogenetic location: 16q12.1.
Variant type: single nucleotide variant.
Coding change: c.2066G>A on transcript NM_001370466.1 (MANE Select); coding-DNA position 2066, G replaced by A.
Protein change: p.Arg689His; replaces arginine 689 with histidine.
Molecular consequence: missense variant. On other transcripts: non-coding transcript variant (1).
Genome position (GRCh38, 1-based): chr16:50,712,058, G>A. VCF-style: chr16-50712058-G-A. GRCh37 (hg19) VCF-style: chr16-50745969-G-A.
Other names: c.2147G>A (LRG_177t1); c.2066G>A, p.Arg689His (NM_001293557.2); c.2147G>A, p.Arg716His (NM_022162.3); short protein forms R716H, R689H.
Identifiers: ClinVar variation 319460 (VCV000319460.21), dbSNP rs200035357, ClinGen allele CA8051707.
Genomic context (GRCh38, chr16:50,712,058, plus strand): 5'-CTGAGAAGGCCCTGCTCCGGCGCCAGGCCTGTGCCCGCTGGTGTCTGGCCCGCAGCCTCC[G>A]CAAGCACTTCCACTCCATCCCGCCAGCTGCACCGGGTGAGGCCAAGAGCGTGCATGCCAT-3'
Protein context (NP_001357395.1, residues 679-699): CARWCLARSL[Arg689His]KHFHSIPPAA